The following is an entry in ClinVar:

NM_013352.4(DSE):c.1388A>G (p.Asn463Ser)

Gene: DSE (dermatan sulfate epimerase; plus strand). Cytogenetic location: 6q22.1.
Variant type: single nucleotide variant.
Coding change: c.1388A>G on transcript NM_013352.4 (MANE Select); coding-DNA position 1388, A replaced by G.
Protein change: p.Asn463Ser; replaces asparagine 463 with serine.
Molecular consequence: missense variant. On other transcripts: 3 prime UTR variant (2), non-coding transcript variant (1).
Genome position (GRCh38, 1-based): chr6:116,435,856, A>G. VCF-style: chr6-116435856-A-G. GRCh37 (hg19) VCF-style: chr6-116757019-A-G.
Other names: p.Asn463Ser; c.1388A>G, p.Asn463Ser (NM_001080976.3, NM_001322937.2, NM_001322938.2); c.1445A>G, p.Asn482Ser (NM_001322939.2); c.827A>G, p.Asn276Ser (NM_001322940.2, NM_001322941.2); c.*253A>G (NM_001322943.2, NM_001322944.2); c.389A>G, p.Asn130Ser (NM_001374520.1); c.353A>G, p.Asn118Ser (NM_001374521.1); short protein forms N118S, N463S, N130S, N276S, N482S.
Identifiers: ClinVar variation 2145685 (VCV002145685.5), dbSNP rs144957600, ClinGen allele CA3969663.

ClinVar aggregate classification (germline): Uncertain significance. Review status: criteria provided, multiple submitters, no conflicts (2 of 4 stars). 3 submissions from 3 submitters: Uncertain significance (3). Last evaluated 2025-12-10.

Conditions:
Ehlers-Danlos syndrome, musculocontractural type 2 (EDSMC2). Identifiers: Orphanet 2953, MedGen C3809845, MONDO:0014236, OMIM 615539.

Allele frequency attached by ClinVar (database versions not stated): gnomAD exomes 0.00002; ExAC 0.00003; gnomAD 0.00005; TOPMed 0.00005; ESP Exome Variant Server 0.00008.
gnomAD v4.1: 39 of 1,614,152 alleles (0.0024%); highest among the groups gnomAD compares: African/African-American, 0.008%; no homozygotes.

Submissions (3):

Women's Health and Genetics/Laboratory Corporation of America, LabCorp
Classification: Uncertain significance. Last evaluated: 2025-12-10. Review status: criteria provided, single submitter. Criteria: LabCorp Variant Classification Summary - May 2015. Collection method: clinical testing. Allele origin: germline.
Comment: Variant summary: DSE c.1388A>G (p.Asn463Ser) results in a conservative amino acid change in the encoded protein sequence. Algorithms developed to predict the effect of missense changes on protein structure and function are either unavailable or do not agree on the potential impact of this missense change. The variant allele was found at a frequency of 8e-06 in 251312 control chromosomes. The available data on variant occurrences in the general population are insufficient to allow any conclusion about variant significance. c.1388A>G has been observed in the presumed heterozygous state in at least 1 individual(s) affected with cardiac abnormalities (example, Edwards_2020) but no other features related to DSE-related conditions. These report(s) do not provide unequivocal conclusions about association of the variant with Ehlers-Danlos syndrome, musculocontractural type 2. To our knowledge, no experimental evidence demonstrating an impact on protein function has been reported. The following publication has been ascertained in the context of this evaluation (PMID: 32368696). ClinVar contains an entry for this variant (Variation ID: 2145685). Based on the evidence outlined above, the variant was classified as uncertain significance.

Labcorp Genetics (formerly Invitae), Labcorp
Classification: Uncertain significance for Ehlers-Danlos syndrome, musculocontractural type 2. Last evaluated: 2025-05-27. Review status: criteria provided, single submitter. Criteria: Invitae Variant Classification Sherloc (09022015). Collection method: clinical testing. Allele origin: germline.
Comment: This sequence change replaces asparagine, which is neutral and polar, with serine, which is neutral and polar, at codon 463 of the DSE protein (p.Asn463Ser). This variant is present in population databases (rs144957600, gnomAD 0.02%). This variant has not been reported in the literature in individuals affected with DSE-related conditions. ClinVar contains an entry for this variant (Variation ID: 2145685). Invitae Evidence Modeling of protein sequence and biophysical properties (such as structural, functional, and spatial information, amino acid conservation, physicochemical variation, residue mobility, and thermodynamic stability) indicates that this missense variant is not expected to disrupt DSE protein function with a negative predictive value of 80%. In summary, the available evidence is currently insufficient to determine the role of this variant in disease. Therefore, it has been classified as a Variant of Uncertain Significance.

Mayo Clinic Laboratories, Mayo Clinic
Classification: Uncertain significance. Last evaluated: 2025-03-05. Review status: criteria provided, single submitter. Criteria: ACMG Guidelines, 2015. Collection method: clinical testing. Allele origin: germline. Observed: 1 variant allele.
Comment: BP4

Literature cited by the submitters: PubMed 32368696 (cited by Women's Health and Genetics/Laboratory Corporation of America, LabCorp and Mayo Clinic Laboratories, Mayo Clinic).